The following is an entry in ClinVar:

ClinVar aggregate classification (germline): Conflicting classifications of pathogenicity. Review status: criteria provided, conflicting classifications (1 of 4 stars). 8 submissions from 8 submitters: Uncertain significance (1); Likely benign (6). 1 of the submissions does not count toward it. Last evaluated 2026-01-27.

Conditions:
Renal carnitine transport defect (CDSP). Also called: Systemic primary carnitine deficiency; Primary carnitine deficiency; CARNITINE DEFICIENCY, SYSTEMIC, DUE TO DEFECT IN RENAL REABSORPTION OF CARNITINE; CARNITINE TRANSPORTER, PLASMA-MEMBRANE, DEFICIENCY OF; CARNITINE UPTAKE DEFECT; Carnitine transporter deficiency. Identifiers: Orphanet 158, MedGen C0342788, MONDO:0008919, OMIM 212140.

Allele frequency attached by ClinVar (database versions not stated): ESP Exome Variant Server 0.00008; ExAC 0.00015; gnomAD exomes 0.00015 and 0.00025; 1000 Genomes Project 30x 0.00016; gnomAD 0.00018; 1000 Genomes Project 0.00020; TOPMed 0.00024.
gnomAD v4.1: 265 of 1,614,140 alleles (0.016%); highest among the groups gnomAD compares: Middle Eastern, 0.066%; no homozygotes.

Submissions (8):

Labcorp Genetics (formerly Invitae), Labcorp
Classification: Likely benign for Renal carnitine transport defect. Last evaluated: 2026-01-27. Review status: criteria provided, single submitter. Criteria: Invitae Variant Classification Sherloc (09022015). Collection method: clinical testing. Allele origin: germline.

Mayo Clinic Laboratories, Mayo Clinic
Classification: Likely benign. Last evaluated: 2025-01-13. Review status: criteria provided, single submitter. Criteria: ACMG Guidelines, 2015. Collection method: clinical testing. Allele origin: germline. Observed: 1 variant allele.
Comment: BP4, BP7

Blueprint Genetics
Classification: Likely benign. Last evaluated: 2024-11-14. Review status: criteria provided, single submitter. Criteria: ACMG Guidelines, 2015. Collection method: clinical testing. Allele origin: germline.

CeGaT Center for Human Genetics Tuebingen
Classification: Likely benign. Last evaluated: 2024-07-01. Review status: criteria provided, single submitter. Criteria: CeGaT Center For Human Genetics Tuebingen Variant Classification Criteria Version 2. Collection method: clinical testing. Allele origin: germline. Affected: yes. Observed: 1 variant allele.
Comment: SLC22A5: BP4, BP7

Genome-Nilou Lab
Classification: Likely benign for Renal carnitine transport defect. Last evaluated: 2021-07-15. Review status: criteria provided, single submitter. Criteria: ACMG Guidelines, 2015. Collection method: clinical testing. Allele origin: germline. Affected: no.

Illumina Laboratory Services, Illumina
Classification: Uncertain significance for Renal carnitine transport defect. Last evaluated: 2018-01-13. Review status: criteria provided, single submitter. Criteria: ICSL Variant Classification Criteria 13 December 2019. Collection method: clinical testing. Allele origin: germline.

GeneDx
Classification: Likely benign. Last evaluated: 2017-01-26. Review status: criteria provided, single submitter. Criteria: GeneDx Variant Classification (06012015). Collection method: clinical testing. Allele origin: germline. Affected: yes.
Comment: This variant is considered likely benign or benign based on one or more of the following criteria: it is a conservative change, it occurs at a poorly conserved position in the protein, it is predicted to be benign by multiple in silico algorithms, and/or has population frequency not consistent with disease.

Natera, Inc.
Classification: Likely benign for Primary systemic carnitine deficiency. Last evaluated: 2020-01-10. Review status: no assertion criteria provided. Collection method: clinical testing. Allele origin: germline. Not counted in ClinVar's aggregate classification.

NM_003060.4(SLC22A5):c.1377A>G (p.Arg459=)

Gene: SLC22A5 (solute carrier family 22 member 5; plus strand). Cytogenetic location: 5q31.1.
Variant type: single nucleotide variant.
Coding change: c.1377A>G on transcript NM_003060.4 (MANE Select); coding-DNA position 1377, A replaced by G.
Protein change: p.Arg459=; no amino-acid change (arginine 459 retained).
Molecular consequence: synonymous variant.
Genome position (GRCh38, 1-based): chr5:132,392,542, A>G. VCF-style: chr5-132392542-A-G. GRCh37 (hg19) VCF-style: chr5-131728234-A-G.
Other names: p.Arg459=; c.1449A>G, p.Arg483= (NM_001308122.2).
Identifiers: ClinVar variation 350817 (VCV000350817.38), dbSNP rs142264458, ClinGen allele CA3404144.